The following is an entry in ClinVar:

ClinVar aggregate classification (germline): Uncertain significance (1 of 4 stars; one submission).

Allele frequency attached by ClinVar (database versions not stated): gnomAD 0.00001; TOPMed 0.00001; ESP Exome Variant Server 0.00008.
gnomAD v4.1: 2 of 1,613,794 alleles (0.00012%); highest among the groups gnomAD compares: Non-Finnish European, 0.00017%; no homozygotes.

Submission:

Labcorp Genetics (formerly Invitae), Labcorp
Classification: Uncertain significance. Last evaluated: 2026-01-18. Review status: criteria provided, single submitter. Criteria: Invitae Variant Classification Sherloc (09022015). Collection method: clinical testing. Allele origin: germline.
Comment: This sequence change replaces glycine, which is neutral and non-polar, with aspartic acid, which is acidic and polar, at codon 1496 of the VCAN protein (p.Gly1496Asp). This variant is not present in population databases (gnomAD no frequency). This variant has not been reported in the literature in individuals affected with VCAN-related conditions. ClinVar contains an entry for this variant (Variation ID: 1495718). An algorithm developed to predict the effect of missense changes on protein structure and function (PolyPhen-2) suggests that this variant is likely to be disruptive. In summary, the available evidence is currently insufficient to determine the role of this variant in disease. Therefore, it has been classified as a Variant of Uncertain Significance.

NM_004385.5(VCAN):c.4487G>A (p.Gly1496Asp)

Genes: VCAN (versican; plus strand), VCAN-AS1 (VCAN antisense RNA 1; minus strand). Cytogenetic location: 5q14.3.
Variant type: single nucleotide variant.
Coding change: c.4487G>A on transcript NM_004385.5 (MANE Select); coding-DNA position 4487, G replaced by A.
Protein change: p.Gly1496Asp; replaces glycine 1496 with aspartic acid.
Molecular consequence: missense variant. On other transcripts: intron variant (2).
Genome position (GRCh38, 1-based): chr5:83,537,490, G>A. VCF-style: chr5-83537490-G-A. GRCh37 (hg19) VCF-style: chr5-82833309-G-A.
Other names: c.1526G>A, p.Gly509Asp (NM_001164097.2); c.4004-8047G>A (NM_001164098.2); c.1043-8047G>A (NM_001126336.3); short protein forms G1496D, G509D.
Identifiers: ClinVar variation 1495718 (VCV001495718.8), dbSNP rs374265946, ClinGen allele CA3333179.
Genomic context (GRCh38, chr5:83,537,490, plus strand): 5'-CTCTTGAAGTTACATGGAAGCCTGAGACTTACCCTGAAACATCAGAACATTTTTCAGGTG[G>A]TGAGCCTGATGTTTTCCCCACAGTCCCATTCCATGAGGAATTTGAAAGTGGAACAGCCAA-3'
Protein context (NP_004376.2, residues 1486-1506): YPETSEHFSG[Gly1496Asp]EPDVFPTVPF